The following is an entry in ClinVar:

NM_001199107.2(TBC1D24):c.1303-157T>C

Gene: TBC1D24 (TBC1 domain family member 24; plus strand). Cytogenetic location: 16p13.3.
Variant type: single nucleotide variant.
Coding change: c.1303-157T>C on transcript NM_001199107.2 (MANE Select); 157 bases into the intron before coding-DNA position 1303, T replaced by C.
Molecular consequence: intron variant.
Genome position (GRCh38, 1-based): chr16:2,500,111, T>C. VCF-style: chr16-2500111-T-C. GRCh37 (hg19) VCF-style: chr16-2550112-T-C.
Other names: c.1285-157T>C (NM_020705.3).
Identifiers: ClinVar variation 677407 (VCV000677407.2), dbSNP rs9931334, ClinGen allele CA276809989.
Genomic context (GRCh38, chr16:2,500,111, plus strand): 5'-ATCGCCCTGTGTGCTTCCGGGTTTGATCATTCAGCCGTGCGCTGCTCCGGGGCAGGGGGC[T>C]TCATCTGCTCGAGCCACCAGCTCCCCAGCCCCTGGCTCGGGCTGCACCCACCTTGGGCTC-3'

ClinVar aggregate classification (germline): Benign. Review status: criteria provided, multiple submitters, no conflicts (2 of 4 stars). 2 submissions from 2 submitters: Benign (2). Last evaluated 2018-06-14.

Allele frequency attached by ClinVar (database versions not stated): gnomAD 0.01991 and 0.02123; 1000 Genomes Project 0.02097; 1000 Genomes Project 30x 0.02108; TOPMed 0.02214.

Submissions (2):

GeneDx
Classification: Benign. Last evaluated: 2018-06-14. Review status: criteria provided, single submitter. Criteria: GeneDx Variant Classification (06012015). Collection method: clinical testing. Allele origin: germline. Affected: yes.
Comment: This variant is considered likely benign or benign based on one or more of the following criteria: it is a conservative change, it occurs at a poorly conserved position in the protein, it is predicted to be benign by multiple in silico algorithms, and/or has population frequency not consistent with disease.

Breakthrough Genomics
Classification: Benign. Review status: criteria provided, single submitter. Criteria: ACMG Guidelines, 2015. Collection method: not provided. Allele origin: germline. Inheritance: Autosomal recessive inheritance. Affected: yes.